The following is an entry in ClinVar:

ClinVar aggregate classification (germline): Uncertain significance (1 of 4 stars; one submission).

Conditions:
Long QT syndrome (LQTS). Identifiers: MedGen C0023976, MeSH D008133, MONDO:0002442. Disease mechanism: loss of function. Inheritance: Various modes of inheritance.

Submission:

Labcorp Genetics (formerly Invitae), Labcorp
Classification: Uncertain significance for Long QT syndrome. Last evaluated: 2023-10-03. Review status: criteria provided, single submitter. Criteria: Invitae Variant Classification Sherloc (09022015). Collection method: clinical testing. Allele origin: germline.
Comment: This sequence change falls in intron 27 of the CACNA1C gene. It does not directly change the encoded amino acid sequence of the CACNA1C protein. It affects a nucleotide within the consensus splice site. This variant is not present in population databases (gnomAD no frequency). This variant has not been reported in the literature in individuals affected with CACNA1C-related conditions. ClinVar contains an entry for this variant (Variation ID: 2137138). Variants that disrupt the consensus splice site are a relatively common cause of aberrant splicing (PMID: 17576681, 9536098). Algorithms developed to predict the effect of sequence changes on RNA splicing suggest that this variant is not likely to affect RNA splicing. In summary, the available evidence is currently insufficient to determine the role of this variant in disease. Therefore, it has been classified as a Variant of Uncertain Significance.

Literature cited by the submitters: PubMed 17576681; PubMed 9536098.

NM_000719.7(CACNA1C):c.3558+4G>A

Gene: CACNA1C (calcium voltage-gated channel subunit alpha1 C; plus strand). Cytogenetic location: 12p13.33.
Variant type: single nucleotide variant.
Coding change: c.3558+4G>A on transcript NM_000719.7 (MANE Select); 4 bases into the intron after coding-DNA position 3558, G replaced by A.
Molecular consequence: intron variant.
Genome position (GRCh38, 1-based): chr12:2,608,716, G>A. VCF-style: chr12-2608716-G-A. GRCh37 (hg19) VCF-style: chr12-2717882-G-A.
Other names: c.3558+4G>A (NM_001167624.3, NM_001167623.2, NM_001167625.2 and 15 more transcripts); c.3618+4G>A (NM_199460.4, NM_001129827.2, NM_001129832.2); c.3549+4G>A (NM_001129844.2).
Identifiers: ClinVar variation 2137138 (VCV002137138.4), dbSNP rs2518591347, ClinGen allele CA2580085127.